The following is an entry in ClinVar:

ClinVar aggregate classification (germline): Uncertain significance. Review status: criteria provided, multiple submitters, no conflicts (2 of 4 stars). 2 submissions from 2 submitters: Uncertain significance (2). Last evaluated 2026-08-31.

Conditions:
WDPCP-related disorder. Also called: WDPCP-related condition.
Bardet-Biedl syndrome (BBS). Identifiers: Orphanet 110, MedGen C0752166, MONDO:0015229.

Allele frequency attached by ClinVar (database versions not stated): gnomAD exomes 0.00001; ESP Exome Variant Server 0.00008.
gnomAD v4.1: 14 of 1,578,724 alleles (0.00089%); highest among the groups gnomAD compares: Non-Finnish European, 0.0012%; no homozygotes.

Submissions (2):

PreventionGenetics, part of Exact Sciences
Classification: Uncertain significance for WDPCP-related condition. Last evaluated: 2026-08-31. Review status: criteria provided, single submitter. Criteria: ACMG Guidelines, 2015. Collection method: clinical testing. Allele origin: germline.
Comment: The WDPCP c.32C>T variant is predicted to result in the amino acid substitution p.Ser11Phe. To our knowledge, this variant has not been reported in the literature or in a large population database (gnomAD), indicating this variant is rare. At this time, the clinical significance of this variant is uncertain due to the absence of conclusive functional and genetic evidence.

Labcorp Genetics (formerly Invitae), Labcorp
Classification: Uncertain significance for Bardet-Biedl syndrome. Last evaluated: 2022-09-06. Review status: criteria provided, single submitter. Criteria: Invitae Variant Classification Sherloc (09022015). Collection method: clinical testing. Allele origin: germline.
Comment: This variant is not present in population databases (gnomAD no frequency). In summary, the available evidence is currently insufficient to determine the role of this variant in disease. Therefore, it has been classified as a Variant of Uncertain Significance. Algorithms developed to predict the effect of missense changes on protein structure and function output the following: SIFT: "Tolerated"; PolyPhen-2: "Benign"; Align-GVGD: "Class C0". The phenylalanine amino acid residue is found in multiple mammalian species, which suggests that this missense change does not adversely affect protein function. This variant has not been reported in the literature in individuals affected with WDPCP-related conditions. This sequence change replaces serine, which is neutral and polar, with phenylalanine, which is neutral and non-polar, at codon 11 of the WDPCP protein (p.Ser11Phe).

NM_015910.7(WDPCP):c.32C>T (p.Ser11Phe)

Gene: WDPCP (WD repeat containing planar cell polarity effector; minus strand). Cytogenetic location: 2p15.
Variant type: single nucleotide variant.
Coding change: c.32C>T on transcript NM_015910.7 (MANE Select); coding-DNA position 32, C replaced by T.
Protein change: p.Ser11Phe; replaces serine 11 with phenylalanine.
Molecular consequence: missense variant. On other transcripts: 5 prime UTR variant (1), non-coding transcript variant (2).
Genome position (GRCh38, 1-based): chr2:63,588,240, G>A on the plus strand (C>T on the coding strand, the complement: WDPCP is on the minus strand). VCF-style: chr2-63588240-G-A. GRCh37 (hg19) VCF-style: chr2-63815374-G-A.
Other names: c.32C>T (NM_015910.5); c.-293C>T (NM_001354044.2); c.32C>T, p.Ser11Phe (NM_001354045.2); short protein forms S11F.
Identifiers: ClinVar variation 2196939 (VCV002196939.5), dbSNP rs370726731, ClinGen allele CA49253731.